The following is an entry in ClinVar:

NM_001999.4(FBN2):c.5624G>A (p.Arg1875His)

Gene: FBN2 (fibrillin 2; minus strand). Cytogenetic location: 5q23.3.
Variant type: single nucleotide variant.
Coding change: c.5624G>A on transcript NM_001999.4 (MANE Select); coding-DNA position 5624, G replaced by A.
Protein change: p.Arg1875His; replaces arginine 1875 with histidine.
Molecular consequence: missense variant.
Genome position (GRCh38, 1-based): chr5:128,305,561, C>T on the plus strand (G>A on the coding strand, the complement: FBN2 is on the minus strand). VCF-style: chr5-128305561-C-T. GRCh37 (hg19) VCF-style: chr5-127641253-C-T.
Other names: c.5624G>A (NM_001999.3); short protein forms R1875H.
Identifiers: ClinVar variation 1677589 (VCV001677589.14), dbSNP rs766786574, ClinGen allele CA3394654.

ClinVar aggregate classification (germline): Uncertain significance. Review status: criteria provided, multiple submitters, no conflicts (2 of 4 stars). 3 submissions from 3 submitters: Uncertain significance (3). Last evaluated 2025-12-26.

Conditions:
Familial thoracic aortic aneurysm and aortic dissection (TAAD). Also called: Thoracic aortic aneurysms and dissections. Identifiers: Orphanet 91387, MedGen C4707243, MONDO:0019625.

Submissions (3):

Ambry Genetics
Classification: Uncertain significance for Familial thoracic aortic aneurysm and aortic dissection. Last evaluated: 2025-12-26. Review status: criteria provided, single submitter. Criteria: Ambry Variant Classification Scheme 2023. Collection method: clinical testing. Allele origin: germline.
Comment: The p.R1875H variant (also known as c.5624G>A), located in coding exon 44 of the FBN2 gene, results from a G to A substitution at nucleotide position 5624. The arginine at codon 1875 is replaced by histidine, an amino acid with highly similar properties. This amino acid position is conserved. In addition, this alteration is predicted to be deleterious by in silico analysis. Based on the available evidence, the clinical significance of this variant remains unclear.

CeGaT Center for Human Genetics Tuebingen
Classification: Uncertain significance. Last evaluated: 2024-12-01. Review status: criteria provided, single submitter. Criteria: CeGaT Center For Human Genetics Tuebingen Variant Classification Criteria Version 2. Collection method: clinical testing. Allele origin: germline. Affected: yes. Observed: 1 variant allele.

AiLife Diagnostics
Classification: Uncertain significance. Last evaluated: 2021-10-21. Review status: criteria provided, single submitter. Criteria: ACMG Guidelines, 2015. Collection method: clinical testing. Allele origin: germline. Affected: yes. Observed: 1 variant allele.